The following is an entry in ClinVar:

ClinVar aggregate classification (germline): Uncertain significance (1 of 4 stars; one submission).

Allele frequency attached by ClinVar (database versions not stated): gnomAD exomes below 0.00001; TOPMed below 0.00001.
gnomAD v4.1: 3 of 1,577,718 alleles (0.00019%); highest among the groups gnomAD compares: Admixed American, 0.0018%; no homozygotes.

Submission:

Labcorp Genetics (formerly Invitae), Labcorp
Classification: Uncertain significance. Last evaluated: 2021-07-16. Review status: criteria provided, single submitter. Criteria: Invitae Variant Classification Sherloc (09022015). Collection method: clinical testing. Allele origin: germline.
Comment: In summary, the available evidence is currently insufficient to determine the role of this variant in disease. Therefore, it has been classified as a Variant of Uncertain Significance. Nucleotide substitutions within the consensus splice site are a relatively common cause of aberrant splicing (PMID: 17576681, 9536098). Experimental studies and prediction algorithms are not available or were not evaluated, and the effect of this variant on mRNA splicing is currently unknown. This variant has not been reported in the literature in individuals affected with ATAD1-related conditions. This variant is not present in population databases (ExAC no frequency). This sequence change falls in intron 2 of the ATAD1 gene. It does not directly change the encoded amino acid sequence of the ATAD1 protein. It affects a nucleotide within the consensus splice site of the intron.

Literature cited by the submitters: PubMed 17576681; PubMed 9536098.

NM_001321967.2(ATAD1):c.162+4T>C

Gene: ATAD1 (ATPase family AAA domain containing 1; minus strand). Cytogenetic location: 10q23.31.
Variant type: single nucleotide variant.
Coding change: c.162+4T>C on transcript NM_001321967.2 (MANE Select); 4 bases into the intron after coding-DNA position 162, T replaced by C.
Molecular consequence: intron variant.
Genome position (GRCh38, 1-based): chr10:87,814,434, A>G on the plus strand (T>C on the coding strand, the complement: ATAD1 is on the minus strand). VCF-style: chr10-87814434-A-G. GRCh37 (hg19) VCF-style: chr10-89574191-A-G.
Other names: c.162+4T>C (NM_001321968.2, NM_032810.4); c.-286+4T>C (NM_001321969.2).
Identifiers: ClinVar variation 1500617 (VCV001500617.6), dbSNP rs1857321956, ClinGen allele CA1926116388.
Genomic context (GRCh38, chr10:87,814,434, plus strand): 5'-TTAGTTTGAGGGGAAAATACTTGTTAGCCACAAGAAAAATGATCTTCAAACATTTCAATC[A>G]TACCTGTTTCTGAGCTTCTACTTTTTGCTTTCTGGTTGGATCAATTGCATCTACCATCCA-3'